The following is an entry in ClinVar:

ClinVar aggregate classification (germline): Uncertain significance. Review status: criteria provided, multiple submitters, no conflicts (2 of 4 stars). 2 submissions from 2 submitters: Uncertain significance (2). Last evaluated 2025-06-17.

Conditions:
Inborn genetic diseases. Identifiers: MedGen C0950123, MeSH D030342.
Polyglandular autoimmune syndrome, type 1 (APS1). Also called: AUTOIMMUNE POLYENDOCRINE SYNDROME, TYPE I, WITH OR WITHOUT REVERSIBLE METAPHYSEAL DYSPLASIA; Whitaker syndrome; Autoimmune polyendocrinopathy syndrome, type I; PGA I; Autoimmune polyendocrine syndrome type 1; HYPOADRENOCORTICISM WITH HYPOPARATHYROIDISM AND SUPERFICIAL MONILIASIS. Identifiers: Orphanet 3453, MedGen C0085859, MONDO:0009411, OMIM 240300.

Submissions (2):

Ambry Genetics
Classification: Uncertain significance for Inborn genetic diseases. Last evaluated: 2025-06-17. Review status: criteria provided, single submitter. Criteria: Ambry Variant Classification Scheme 2023. Collection method: clinical testing. Allele origin: germline.

Labcorp Genetics (formerly Invitae), Labcorp
Classification: Uncertain significance for Polyglandular autoimmune syndrome, type 1. Last evaluated: 2024-10-15. Review status: criteria provided, single submitter. Criteria: Invitae Variant Classification Sherloc (09022015). Collection method: clinical testing. Allele origin: germline.
Comment: This sequence change replaces aspartic acid, which is acidic and polar, with valine, which is neutral and non-polar, at codon 4 of the AIRE protein (p.Asp4Val). This variant is not present in population databases (gnomAD no frequency). This variant has not been reported in the literature in individuals affected with AIRE-related conditions. ClinVar contains an entry for this variant (Variation ID: 1385133). Invitae Evidence Modeling of protein sequence and biophysical properties (such as structural, functional, and spatial information, amino acid conservation, physicochemical variation, residue mobility, and thermodynamic stability) indicates that this missense variant is expected to disrupt AIRE protein function with a positive predictive value of 95%. In summary, the available evidence is currently insufficient to determine the role of this variant in disease. Therefore, it has been classified as a Variant of Uncertain Significance.

NM_000383.4(AIRE):c.11A>T (p.Asp4Val)

Gene: AIRE (autoimmune regulator; plus strand). Cytogenetic location: 21q22.3.
Variant type: single nucleotide variant.
Coding change: c.11A>T on transcript NM_000383.4 (MANE Select); coding-DNA position 11, A replaced by T.
Protein change: p.Asp4Val; replaces aspartic acid 4 with valine.
Molecular consequence: missense variant.
Genome position (GRCh38, 1-based): chr21:44,286,017, A>T. VCF-style: chr21-44286017-A-T. GRCh37 (hg19) VCF-style: chr21-45705900-A-T.
Other names: c.11A>T (NM_000383.2); short protein forms D4V.
Identifiers: ClinVar variation 1385133 (VCV001385133.9), dbSNP rs2146375006, ClinGen allele CA410422932.